The following is an entry in ClinVar:

ClinVar aggregate classification (germline): Uncertain significance (1 of 4 stars; one submission).

Conditions:
Congenital neutropenia-myelofibrosis-nephromegaly syndrome. Also called: Severe congenital neutropenia 5, autosomal recessive. Identifiers: Orphanet 369852, MedGen C3809031, MONDO:0014118, OMIM 615285.

Submission:

Labcorp Genetics (formerly Invitae), Labcorp
Classification: Uncertain significance for Congenital neutropenia-myelofibrosis-nephromegaly syndrome. Last evaluated: 2022-09-27. Review status: criteria provided, single submitter. Criteria: Invitae Variant Classification Sherloc (09022015). Collection method: clinical testing. Allele origin: germline.
Comment: In summary, the available evidence is currently insufficient to determine the role of this variant in disease. Therefore, it has been classified as a Variant of Uncertain Significance. Advanced modeling of protein sequence and biophysical properties (such as structural, functional, and spatial information, amino acid conservation, physicochemical variation, residue mobility, and thermodynamic stability) performed at Invitae indicates that this missense variant is not expected to disrupt VPS45 protein function. ClinVar contains an entry for this variant (Variation ID: 659684). This variant has not been reported in the literature in individuals affected with VPS45-related conditions. This variant is not present in population databases (gnomAD no frequency). This sequence change replaces aspartic acid, which is acidic and polar, with glycine, which is neutral and non-polar, at codon 56 of the VPS45 protein (p.Asp56Gly).

NM_007259.5(VPS45):c.167A>G (p.Asp56Gly)

Gene: VPS45 (vacuolar protein sorting 45 homolog; plus strand). Cytogenetic location: 1q21.2.
Variant type: single nucleotide variant.
Coding change: c.167A>G on transcript NM_007259.5 (MANE Select); coding-DNA position 167, A replaced by G.
Protein change: p.Asp56Gly; replaces aspartic acid 56 with glycine.
Molecular consequence: missense variant. On other transcripts: non-coding transcript variant (1).
Genome position (GRCh38, 1-based): chr1:150,068,703, A>G. VCF-style: chr1-150068703-A-G. GRCh37 (hg19) VCF-style: chr1-150040760-A-G.
Other names: c.59A>G, p.Asp20Gly (NM_001279353.2, NM_001279354.2); short protein forms D20G, D56G.
Identifiers: ClinVar variation 659684 (VCV000659684.8), dbSNP rs1278390607, ClinGen allele CA342258711.